The following is an entry in ClinVar:

NM_006421.5(ARFGEF1):c.5036T>C (p.Leu1679Pro)

Gene: ARFGEF1 (ARF guanine nucleotide exchange factor 1; minus strand). Cytogenetic location: 8q13.2.
Variant type: single nucleotide variant.
Coding change: c.5036T>C on transcript NM_006421.5 (MANE Select); coding-DNA position 5036, T replaced by C.
Protein change: p.Leu1679Pro; replaces leucine 1679 with proline.
Molecular consequence: missense variant. On other transcripts: non-coding transcript variant (1).
Genome position (GRCh38, 1-based): chr8:67,203,175, A>G on the plus strand (T>C on the coding strand, the complement: ARFGEF1 is on the minus strand). VCF-style: chr8-67203175-A-G. GRCh37 (hg19) VCF-style: chr8-68115410-A-G.
Other names: c.5036T>C, p.Leu1679Pro (NM_001413184.1, NM_001413187.1, NM_001413194.1); c.5018T>C, p.Leu1673Pro (NM_001413185.1, NM_001413186.1, NM_001413189.1); c.4436T>C, p.Leu1479Pro (NM_001413188.1, NM_001413197.1); c.5030T>C, p.Leu1677Pro (NM_001413190.1); c.4940T>C, p.Leu1647Pro (NM_001413191.1); c.4922T>C, p.Leu1641Pro (NM_001413192.1); c.4418T>C, p.Leu1473Pro (NM_001413193.1); c.3611T>C, p.Leu1204Pro (NM_001413196.1); short protein forms L1647P, L1641P, L1677P, L1204P, L1473P, L1479P, L1673P, L1679P.
Identifiers: ClinVar variation 5029163 (VCV005029163.1).

ClinVar aggregate classification (germline): Uncertain significance (1 of 4 stars; one submission).

Conditions:
Inborn genetic diseases. Identifiers: MedGen C0950123, MeSH D030342.

Submission:

Ambry Genetics
Classification: Uncertain significance for Inborn genetic diseases. Last evaluated: 2026-09-10. Review status: criteria provided, single submitter. Criteria: Ambry Variant Classification Scheme 2023. Collection method: clinical testing. Allele origin: germline.
Comment: The c.5036T>C (p.L1679P) alteration is located in exon 36 (coding exon 36) of the ARFGEF1 gene. This alteration results from a T to C substitution at nucleotide position 5036, causing the leucine (L) at amino acid position 1679 to be replaced by a proline (P). This variant was not reported in population-based cohorts in the Genome Aggregation Database (gnomAD). This amino acid position is highly conserved in available vertebrate species. This alteration is predicted to be deleterious by in silico analysis. Based on insufficient or conflicting evidence, the clinical significance of this alteration remains unclear.